The following is an entry in ClinVar:

ClinVar aggregate classification (germline): Likely benign (1 of 4 stars; one submission).

Submission:

CeGaT Center for Human Genetics Tuebingen
Classification: Likely benign. Last evaluated: 2023-02-01. Review status: criteria provided, single submitter. Criteria: CeGaT Center For Human Genetics Tuebingen Variant Classification Criteria Version 2. Collection method: clinical testing. Allele origin: germline. Affected: yes. Observed: 2 variant alleles.
Comment: KRTAP4-8: BS2

NM_031960.3(KRTAP4-8):c.189_194CTG[2]CCACCCCAGATGCTGCATCTCCAGCTGCTG[1] (p.Cys65_Arg66insHisProArgCysCysIleSerSerCysCys)

Gene: KRTAP4-8 (keratin associated protein 4-8; minus strand). Cytogenetic location: 17q21.2.
Variant type: Microsatellite.
Coding change: c.189_194CTG[2]CCACCCCAGATGCTGCATCTCCAGCTGCTG[1] on transcript NM_031960.3 (MANE Select).
Protein change: p.Cys65_Arg66insHisProArgCysCysIleSerSerCysCys.
Molecular consequence: inframe insertion.
Genome position: GRCh38 VCF-style: chr17-41097890-A-ACAGCAGCTGGAGATGCAGCATCTGGGGTGG. GRCh37 (hg19) VCF-style: chr17-39254142-A-ACAGCAGCTGGAGATGCAGCATCTGGGGTGG.
Other names: c.196_197insACCCCAGATGCTGCATCTCCAGCTGCTGCC, p.Cys65_Arg66insHisProArgCysCysIleSerSerCysCys (NM_001322457.1).
Identifiers: ClinVar variation 2647753 (VCV002647753.24), dbSNP rs761473739.
Genomic context (GRCh38, chr17:41,097,890, plus strand): 5'-GCAGCACACAGACTGGCAGCACTGGGGCTTGCAGCAGCTGGACACACAGCAGCTGGGGCG[A>ACAGCAGCTGGAGATGCAGCATCTGGGGTGG]CAGCAGGTGGGCTGGCAGCACACAGACTGGCAGCACTGGGGTCTGCAGCAGCAGGACACA-3'